The following is an entry in ClinVar:

ClinVar aggregate classification (germline): Uncertain significance. Review status: criteria provided, single submitter (1 of 4 stars). 2 submissions from 2 submitters: Uncertain significance (1). 1 of the submissions does not count toward it. Last evaluated 2026-05-14.

Conditions:
Hereditary cancer-predisposing syndrome. Also called: Tumor predisposition; Hereditary Cancer Syndrome; Neoplastic Syndromes, Hereditary; Hereditary neoplastic syndrome. Identifiers: Orphanet 140162, MedGen C0027672, MeSH D009386, MONDO:0015356.
Systemic mast cell disease. Also called: Systemic mastocytosis. Identifiers: Orphanet 2467, MedGen C0221013, MeSH D034721, MONDO:0016586.

Allele frequency attached by ClinVar (database versions not stated): gnomAD exomes below 0.00001.
gnomAD v4.1: 1 of 1,614,098 alleles (0.000062%); highest among the groups gnomAD compares: Non-Finnish European, 0.000085%; no homozygotes.

Submissions (2):

Ambry Genetics
Classification: Uncertain significance for Hereditary cancer-predisposing syndrome. Last evaluated: 2026-05-14. Review status: criteria provided, single submitter. Criteria: Ambry Variant Classification Scheme 2023. Collection method: clinical testing. Allele origin: germline.
Comment: The p.N958D variant (also known as c.2872A>G), located in coding exon 21 of the KIT gene, results from an A to G substitution at nucleotide position 2872. The asparagine at codon 958 is replaced by aspartic acid, an amino acid with highly similar properties. This amino acid position is conserved. In addition, this alteration is predicted to be tolerated by in silico analysis. Based on the available evidence, the clinical significance of this variant remains unclear.

Biochemical Molecular Genetic Laboratory, King Abdulaziz Medical City
Classification: Uncertain significance for Mast cell disease, systemic. Last evaluated: 2018-05-25. Review status: no assertion criteria provided. Collection method: clinical testing. Allele origin: germline. Affected: yes. Not counted in ClinVar's aggregate classification.

NM_000222.3(KIT):c.2872A>G (p.Asn958Asp)

Gene: KIT (KIT proto-oncogene, receptor tyrosine kinase; plus strand). Cytogenetic location: 4q12.
Variant type: single nucleotide variant.
Coding change: c.2872A>G on transcript NM_000222.3 (MANE Select); coding-DNA position 2872, A replaced by G.
Protein change: p.Asn958Asp; replaces asparagine 958 with aspartic acid.
Molecular consequence: missense variant.
Genome position (GRCh38, 1-based): chr4:54,738,498, A>G. VCF-style: chr4-54738498-A-G. GRCh37 (hg19) VCF-style: chr4-55604664-A-G.
Other names: c.2860A>G, p.Asn954Asp (NM_001093772.2, NM_001385292.1); c.2875A>G, p.Asn959Asp (NM_001385284.1); c.2869A>G, p.Asn957Asp (NM_001385285.1); c.2857A>G, p.Asn953Asp (NM_001385286.1); c.2863A>G, p.Asn955Asp (NM_001385288.1); c.2872A>G, p.Asn958Asp (NM_001385290.1); short protein forms N958D, N954D, N953D, N955D, N957D, N959D.
Identifiers: ClinVar variation 592102 (VCV000592102.2), dbSNP rs1560426461, ClinGen allele CA356916288.